The following is an entry in ClinVar:

ClinVar aggregate classification (germline): Likely benign. Review status: criteria provided, multiple submitters, no conflicts (2 of 4 stars). 4 submissions from 4 submitters: Likely benign (3). 1 of the submissions does not count toward it. Last evaluated 2025-09-04.

Conditions:
Achromatopsia. Also called: Rod monochromatism. Identifiers: Orphanet 49382, MedGen C0152200, MONDO:0018852, HP:0011516.
CNGB3-related disorder. Also called: CNGB3-related condition; CNGB3-related disorders. Identifiers: MedGen CN239340.

Allele frequency attached by ClinVar (database versions not stated): gnomAD 0.00001; gnomAD exomes 0.00001 and 0.00002; ExAC 0.00002; TOPMed 0.00005.
gnomAD v4.1: 27 of 1,613,684 alleles (0.0017%); highest among the groups gnomAD compares: East Asian, 0.0045%; no homozygotes.

Submissions (4):

PreventionGenetics, part of Exact Sciences
Classification: Likely benign for CNGB3-related condition. Last evaluated: 2025-09-04. Review status: criteria provided, single submitter. Criteria: ACMG Guidelines, 2015. Collection method: clinical testing. Allele origin: germline.
Comment: This variant is classified as likely benign based on ACMG/AMP sequence variant interpretation guidelines (Richards et al. 2015 PMID: 25741868, with internal and published modifications).

Labcorp Genetics (formerly Invitae), Labcorp
Classification: Likely benign. Last evaluated: 2025-08-31. Review status: criteria provided, single submitter. Criteria: Invitae Variant Classification Sherloc (09022015). Collection method: clinical testing. Allele origin: germline.

Blueprint Genetics
Classification: Likely benign. Last evaluated: 2023-06-20. Review status: criteria provided, single submitter. Criteria: ACMG Guidelines, 2015. Collection method: clinical testing. Allele origin: germline.

Natera, Inc.
Classification: Uncertain significance for Achromatopsia. Last evaluated: 2020-02-21. Review status: no assertion criteria provided. Collection method: clinical testing. Allele origin: germline. Not counted in ClinVar's aggregate classification.

NM_019098.5(CNGB3):c.768G>A (p.Ala256=)

Gene: CNGB3 (cyclic nucleotide gated channel subunit beta 3; minus strand). Cytogenetic location: 8q21.3.
Variant type: single nucleotide variant.
Coding change: c.768G>A on transcript NM_019098.5 (MANE Select); coding-DNA position 768, G replaced by A.
Protein change: p.Ala256=; no amino-acid change (alanine 256 retained).
Molecular consequence: synonymous variant.
Genome position (GRCh38, 1-based): chr8:86,667,009, C>T on the plus strand (G>A on the coding strand, the complement: CNGB3 is on the minus strand). VCF-style: chr8-86667009-C-T. GRCh37 (hg19) VCF-style: chr8-87679237-C-T.
Identifiers: ClinVar variation 842818 (VCV000842818.9), dbSNP rs767128005, ClinGen allele CA4800278.